The following is an entry in ClinVar:

NM_032242.4(PLXNA1):c.115C>G (p.Pro39Ala)

Gene: PLXNA1 (plexin A1; plus strand). Cytogenetic location: 3q21.3.
Variant type: single nucleotide variant.
Coding change: c.115C>G on transcript NM_032242.4 (MANE Select); coding-DNA position 115, C replaced by G.
Protein change: p.Pro39Ala; replaces proline 39 with alanine.
Molecular consequence: missense variant.
Genome position (GRCh38, 1-based): chr3:126,988,708, C>G. VCF-style: chr3-126988708-C-G. GRCh37 (hg19) VCF-style: chr3-126707551-C-G.
Other names: short protein forms P39A.
Identifiers: ClinVar variation 3355706 (VCV003355706.1).
Genomic context (GRCh38, chr3:126,988,708, plus strand): 5'-CTGCTGCTGCCGGGCATGTGGGCTGAGGCAGGCTTGCCCAGGGCAGGCGGGGGTTCACAG[C>G]CCCCCTTCCGCACCTTCTCGGCCAGCGACTGGGGCCTCACCCACCTAGTGGTGCATGAGC-3'
Protein context (NP_115618.3, residues 29-49): GLPRAGGGSQ[Pro39Ala]PFRTFSASDW

ClinVar aggregate classification (germline): Uncertain significance (0 of 4 stars; one submission).

Conditions:
PLXNA1-related disorder. Also called: PLXNA1-related condition.

gnomAD v4.1: 7 of 1,573,274 alleles (0.00044%); highest among the groups gnomAD compares: Non-Finnish European, 0.0006%; no homozygotes.

Submission:

PreventionGenetics, part of Exact Sciences
Classification: Uncertain significance for PLXNA1-related condition. Last evaluated: 2024-05-16. Review status: no assertion criteria provided. Collection method: clinical testing. Allele origin: germline.
Comment: The PLXNA1 c.115C>G variant is predicted to result in the amino acid substitution p.Pro39Ala. To our knowledge, this variant has not been reported in the literature. This variant is reported in 0.0021% of alleles in individuals of European (Non-Finnish) descent in gnomAD. At this time, the clinical significance of this variant is uncertain due to the absence of conclusive functional and genetic evidence.